The following is an entry in ClinVar:

NM_001040142.2(SCN2A):c.1039T>C (p.Cys347Arg)

Gene: SCN2A (sodium voltage-gated channel alpha subunit 2; plus strand). Cytogenetic location: 2q24.3.
Variant type: single nucleotide variant.
Coding change: c.1039T>C on transcript NM_001040142.2 (MANE Select); coding-DNA position 1039, T replaced by C.
Protein change: p.Cys347Arg; replaces cysteine 347 with arginine.
Molecular consequence: missense variant.
Genome position (GRCh38, 1-based): chr2:165,313,624, T>C. VCF-style: chr2-165313624-T-C. GRCh37 (hg19) VCF-style: chr2-166170134-T-C.
Other names: c.1039T>C, p.Cys347Arg (NM_001040143.2, NM_001371246.1, NM_001371247.1 and 1 more transcripts); short protein forms C347R.
Identifiers: ClinVar variation 2943772 (VCV002943772.3), dbSNP rs2467901046, ClinGen allele CA349020229.

ClinVar aggregate classification (germline): Uncertain significance (1 of 4 stars; one submission).

Conditions:
Seizures, benign familial infantile, 3 (BFIS3). Also called: CONVULSIONS, BENIGN FAMILIAL INFANTILE, 3; Familial neonatal seizures. Identifiers: Orphanet 140927, Orphanet 306, MedGen C1843140, MONDO:0011904, OMIM 607745.
Developmental and epileptic encephalopathy, 11 (DEE11). Also called: Early infantile epileptic encephalopathy 11. Identifiers: Orphanet 1934, MedGen C3150987, MONDO:0013388, OMIM 613721.

Submission:

Labcorp Genetics (formerly Invitae), Labcorp
Classification: Uncertain significance for Seizures, benign familial infantile, 3; Developmental and epileptic encephalopathy, 11. Last evaluated: 2023-01-31. Review status: criteria provided, single submitter. Criteria: Invitae Variant Classification Sherloc (09022015). Collection method: clinical testing. Allele origin: germline.
Comment: In summary, the available evidence is currently insufficient to determine the role of this variant in disease. Therefore, it has been classified as a Variant of Uncertain Significance. Advanced modeling of protein sequence and biophysical properties (such as structural, functional, and spatial information, amino acid conservation, physicochemical variation, residue mobility, and thermodynamic stability) performed at Invitae indicates that this missense variant is expected to disrupt SCN2A protein function. This variant has not been reported in the literature in individuals affected with SCN2A-related conditions. This variant is not present in population databases (gnomAD no frequency). This sequence change replaces cysteine, which is neutral and slightly polar, with arginine, which is basic and polar, at codon 347 of the SCN2A protein (p.Cys347Arg).